The following is an entry in ClinVar:

NM_001039111.3(TRIM71):c.1406A>C (p.Tyr469Ser)

Gene: TRIM71 (tripartite motif containing 71; plus strand). Cytogenetic location: 3p22.3.
Variant type: single nucleotide variant.
Coding change: c.1406A>C on transcript NM_001039111.3 (MANE Select); coding-DNA position 1406, A replaced by C.
Protein change: p.Tyr469Ser; replaces tyrosine 469 with serine.
Molecular consequence: missense variant.
Genome position (GRCh38, 1-based): chr3:32,890,610, A>C. VCF-style: chr3-32890610-A-C. GRCh37 (hg19) VCF-style: chr3-32932102-A-C.
Other names: short protein forms Y469S.
Identifiers: ClinVar variation 4882209 (VCV004882209.2).

ClinVar aggregate classification (germline): Uncertain significance (1 of 4 stars; one submission).

Submission:

Dasa
Classification: Uncertain significance. Last evaluated: 2025-11-04. Review status: criteria provided, single submitter. Criteria: DASA Assertion Criteria. Collection method: clinical testing. Allele origin: germline.
Comment: NM_001039111.3(TRIM71):c.1406A>C (p.Tyr469Ser) is a missense variant that results in the substitution of tyrosine with serine. This variant is absent from population databases. The currently available literature and clinical evidence are not sufficient to establish a definitive association between this variant and the reported condition. Therefore, this variant is classified as a variant of uncertain significance.